The following is an entry in ClinVar:

ClinVar aggregate classification (germline): Uncertain significance (0 of 4 stars; one submission).

Conditions:
BRPF1-related disorder. Also called: BRPF1-related condition.

Submission:

PreventionGenetics, part of Exact Sciences
Classification: Uncertain significance for BRPF1-related condition. Last evaluated: 2024-06-19. Review status: no assertion criteria provided. Collection method: clinical testing. Allele origin: germline.
Comment: The BRPF1 c.3247G>A variant is predicted to result in the amino acid substitution p.Glu1083Lys. To our knowledge, this variant has not been reported in the literature or in a large population database, indicating this variant is rare. At this time, the clinical significance of this variant is uncertain due to the absence of conclusive functional and genetic evidence.

NM_001003694.2(BRPF1):c.3247G>A (p.Glu1083Lys)

Gene: BRPF1 (bromodomain and PHD finger containing 1; plus strand). Cytogenetic location: 3p25.3.
Variant type: single nucleotide variant.
Coding change: c.3247G>A on transcript NM_001003694.2 (MANE Select); coding-DNA position 3247, G replaced by A.
Protein change: p.Glu1083Lys; replaces glutamic acid 1083 with lysine.
Molecular consequence: missense variant. On other transcripts: non-coding transcript variant (1).
Genome position (GRCh38, 1-based): chr3:9,745,853, G>A. VCF-style: chr3-9745853-G-A. GRCh37 (hg19) VCF-style: chr3-9787537-G-A.
Other names: c.2944G>A, p.Glu982Lys (NM_001319049.2); c.3226G>A, p.Glu1076Lys (NM_001319050.2); c.3244G>A, p.Glu1082Lys (NM_001410704.1); c.3229G>A, p.Glu1077Lys (NM_004634.3); short protein forms E1076K, E1077K, E1082K, E1083K, E982K.
Identifiers: ClinVar variation 3347244 (VCV003347244.1).